The following is an entry in ClinVar:

NM_018489.3(ASH1L):c.2255del (p.Asn752fs)

Gene: ASH1L (ASH1 like histone lysine methyltransferase; minus strand). Cytogenetic location: 1q22.
Variant type: Deletion.
Coding change: c.2255del on transcript NM_018489.3 (MANE Select); coding-DNA position 2255, one base deleted (A; older notation c.2255delA).
Protein change: p.Asn752fs; shifts the reading frame from asparagine 752.
Molecular consequence: frameshift variant.
Genome position (GRCh38, 1-based): chr1:155,480,615, T deleted on the plus strand (A on the coding strand, the reverse complement: ASH1L is on the minus strand); the first of 3 consecutive T bases (chr1:155,480,615-155,480,617); deleting any one gives the same sequence. VCF-style (leftmost placement, unchanged base first): chr1-155480614-AT-A. GRCh37 (hg19) VCF-style: chr1-155450405-AT-A.
Other names: c.2255del, p.Asn752fs (NM_001366177.2); short protein forms N752fs.
Identifiers: ClinVar variation 422660 (VCV000422660.1), dbSNP rs1064795921, ClinGen allele CA16616997.

ClinVar aggregate classification (germline): Uncertain significance (1 of 4 stars; one submission).

Submission:

GeneDx
Classification: Uncertain significance. Last evaluated: 2016-10-27. Review status: criteria provided, single submitter. Criteria: GeneDx Variant Classification (06012015). Collection method: clinical testing. Allele origin: germline. Affected: yes.
Comment: The c.2255delA variant in the ASH1L gene has not been reported previously as a pathogenic variant nor as a benign variant, to our knowledge. The c.2255delA variant causes a frameshift starting with codon Asparagine 752, changes this amino acid to an Isoleucine residue, and creates a premature Stop codon at position 10 of the new reading frame, denoted p.Asn752IlefsX10. This variant is predicted to cause loss of normal protein function either through protein truncation or nonsense-mediated mRNA decay. The c.2255delA variant was not observed in approximately 6,500 individuals of European and African American ancestry in the NHLBI Exome Sequencing Project, indicating it is not a common benign variant in these populations. We interpret c.2255delA as a variant of uncertain significance.